The following is an entry in ClinVar:

NM_001330078.2(NRXN1):c.3682G>T (p.Val1228Leu)

Gene: NRXN1 (neurexin 1; minus strand). Cytogenetic location: 2p16.3.
Variant type: single nucleotide variant.
Coding change: c.3682G>T on transcript NM_001330078.2 (MANE Select); coding-DNA position 3682, G replaced by T.
Protein change: p.Val1228Leu; replaces valine 1228 with leucine.
Molecular consequence: missense variant.
Genome position (GRCh38, 1-based): chr2:50,091,359, C>A on the plus strand (G>T on the coding strand, the complement: NRXN1 is on the minus strand). VCF-style: chr2-50091359-C-A. GRCh37 (hg19) VCF-style: chr2-50318497-C-A.
Other names: c.3802G>T, p.Val1268Leu (NM_001135659.3); c.3658G>T, p.Val1220Leu (NM_001330077.2, NM_001330082.2); c.3616G>T, p.Val1206Leu (NM_001330083.2, NM_001330084.2); c.3655G>T, p.Val1219Leu (NM_001330085.2); c.3682G>T, p.Val1228Leu (NM_001330086.2, NM_004801.6); c.3571G>T, p.Val1191Leu (NM_001330087.2, NM_001330096.2); c.3601G>T, p.Val1201Leu (NM_001330088.2); c.577G>T, p.Val193Leu (NM_001330091.2, NM_001330092.2, NM_001330097.2 and 1 more transcripts); and 3 more; short protein forms V1201L, V1211L, V1219L, V1268L, V193L, V1206L, V1220L, V1228L.
Identifiers: ClinVar variation 2756300 (VCV002756300.3), dbSNP rs2152697183, ClinGen allele CA346819014.

ClinVar aggregate classification (germline): Uncertain significance (1 of 4 stars; one submission).

Conditions:
Pitt-Hopkins-like syndrome 2 (PTHSL2). Identifiers: Orphanet 221150, Orphanet 600663, MedGen C3280479, MONDO:0013690, OMIM 614325.

Submission:

Labcorp Genetics (formerly Invitae), Labcorp
Classification: Uncertain significance for Pitt-Hopkins-like syndrome 2. Last evaluated: 2023-08-29. Review status: criteria provided, single submitter. Criteria: Invitae Variant Classification Sherloc (09022015). Collection method: clinical testing. Allele origin: germline.
Comment: This variant is not present in population databases (gnomAD no frequency). This variant has not been reported in the literature in individuals affected with NRXN1-related conditions. In summary, the available evidence is currently insufficient to determine the role of this variant in disease. Therefore, it has been classified as a Variant of Uncertain Significance. Advanced modeling of protein sequence and biophysical properties (such as structural, functional, and spatial information, amino acid conservation, physicochemical variation, residue mobility, and thermodynamic stability) performed at Invitae indicates that this missense variant is not expected to disrupt NRXN1 protein function. This sequence change replaces valine, which is neutral and non-polar, with leucine, which is neutral and non-polar, at codon 1268 of the NRXN1 protein (p.Val1268Leu).